The following is an entry in ClinVar:

ClinVar aggregate classification (germline): Uncertain significance (1 of 4 stars; one submission).

Allele frequency attached by ClinVar (database versions not stated): gnomAD exomes below 0.00001; TOPMed 0.00003.

Submission:

Labcorp Genetics (formerly Invitae), Labcorp
Classification: Uncertain significance. Last evaluated: 2020-02-27. Review status: criteria provided, single submitter. Criteria: Invitae Variant Classification Sherloc (09022015). Collection method: clinical testing. Allele origin: germline.
Comment: This sequence change results in a premature translational stop signal in the MESP2 gene (p.Gln335*). While this is not anticipated to result in nonsense mediated decay, it is expected to disrupt the last 63 amino acids of the MESP2 protein. This variant is not present in population databases (ExAC no frequency). This variant has not been reported in the literature in individuals with MESP2-related conditions. Experimental studies and prediction algorithms are not available or were not evaluated, and the functional significance of this variant is currently unknown. In summary, the available evidence is currently insufficient to determine the role of this variant in disease. Therefore, it has been classified as a Variant of Uncertain Significance.

NM_001039958.2(MESP2):c.1003C>T (p.Gln335Ter)

Gene: MESP2 (mesoderm posterior bHLH transcription factor 2; plus strand). Cytogenetic location: 15q26.1.
Variant type: single nucleotide variant.
Coding change: c.1003C>T on transcript NM_001039958.2 (MANE Select); coding-DNA position 1003, C replaced by T.
Protein change: p.Gln335Ter; replaces glutamine 335 with a stop codon.
Molecular consequence: nonsense.
Genome position (GRCh38, 1-based): chr15:89,778,143, C>T. VCF-style: chr15-89778143-C-T. GRCh37 (hg19) VCF-style: chr15-90321374-C-T.
Other names: short protein forms Q335*.
Identifiers: ClinVar variation 2159582 (VCV002159582.1), dbSNP rs1370187657, ClinGen allele CA393775609.